The following is an entry in ClinVar:

ClinVar aggregate classification (germline): Uncertain significance (1 of 4 stars; one submission).

Allele frequency attached by ClinVar (database versions not stated): gnomAD below 0.00001 and 0.00001; gnomAD exomes 0.00002; ExAC 0.00003.
gnomAD v4.1: 9 of 1,613,898 alleles (0.00056%); highest among the groups gnomAD compares: East Asian, 0.0022%; no homozygotes.

Submission:

Labcorp Genetics (formerly Invitae), Labcorp
Classification: Uncertain significance. Last evaluated: 2020-11-14. Review status: criteria provided, single submitter. Criteria: Invitae Variant Classification Sherloc (09022015). Collection method: clinical testing. Allele origin: germline.
Comment: This sequence change replaces aspartic acid with asparagine at codon 206 of the TIMM50 protein (p.Asp206Asn). The aspartic acid residue is moderately conserved and there is a small physicochemical difference between aspartic acid and asparagine. In summary, the available evidence is currently insufficient to determine the role of this variant in disease. Therefore, it has been classified as a Variant of Uncertain Significance. Algorithms developed to predict the effect of missense changes on protein structure and function are either unavailable or do not agree on the potential impact of this missense change (SIFT: "Not Available"; PolyPhen-2: "Possibly Damaging"; Align-GVGD: "Not Available"). This variant has not been reported in the literature in individuals with TIMM50-related conditions. This variant is present in population databases (rs776567409, ExAC 0.02%).

NM_001001563.5(TIMM50):c.307G>A (p.Asp103Asn)

Gene: TIMM50 (translocase of inner mitochondrial membrane 50; plus strand). Cytogenetic location: 19q13.2.
Variant type: single nucleotide variant.
Coding change: c.307G>A on transcript NM_001001563.5 (MANE Select); coding-DNA position 307, G replaced by A.
Protein change: p.Asp103Asn; replaces aspartic acid 103 with asparagine.
Molecular consequence: missense variant. On other transcripts: synonymous variant (1).
Genome position (GRCh38, 1-based): chr19:39,483,150, G>A. VCF-style: chr19-39483150-G-A. GRCh37 (hg19) VCF-style: chr19-39973790-G-A.
Other names: c.27G>A, p.Ser9= (NM_001329559.2); short protein forms D103N.
Identifiers: ClinVar variation 1041928 (VCV001041928.7), dbSNP rs776567409, ClinGen allele CA9431760.